The following is an entry in ClinVar:

ClinVar aggregate classification (germline): Uncertain significance (1 of 4 stars; one submission).

Conditions:
Hereditary cancer-predisposing syndrome. Also called: Neoplastic Syndromes, Hereditary; Tumor predisposition; Hereditary Cancer Syndrome; Hereditary neoplastic syndrome. Identifiers: Orphanet 140162, MedGen C0027672, MeSH D009386, MONDO:0015356.

gnomAD v4.1: 1 of 1,613,696 alleles (0.000062%); highest among the groups gnomAD compares: Non-Finnish European, 0.000085%; no homozygotes.

Submission:

Ambry Genetics
Classification: Uncertain significance for Hereditary cancer-predisposing syndrome. Last evaluated: 2026-05-27. Review status: criteria provided, single submitter. Criteria: Ambry Variant Classification Scheme 2023. Collection method: clinical testing. Allele origin: germline.
Comment: The p.D1349E variant (also known as c.4047C>G), located in coding exon 27 of the ALK gene, results from a C to G substitution at nucleotide position 4047. The aspartic acid at codon 1349 is replaced by glutamic acid, an amino acid with highly similar properties. This amino acid position is conserved. In addition, this alteration is predicted to be tolerated by in silico analysis. Based on the available evidence, the clinical significance of this variant remains unclear.

NM_004304.5(ALK):c.4047C>G (p.Asp1349Glu)

Gene: ALK (ALK receptor tyrosine kinase; minus strand). Cytogenetic location: 2p23.2.
Variant type: single nucleotide variant.
Coding change: c.4047C>G on transcript NM_004304.5 (MANE Select); coding-DNA position 4047, C replaced by G.
Protein change: p.Asp1349Glu; replaces aspartic acid 1349 with glutamic acid.
Molecular consequence: missense variant.
Genome position (GRCh38, 1-based): chr2:29,197,568, G>C on the plus strand (C>G on the coding strand, the complement: ALK is on the minus strand). VCF-style: chr2-29197568-G-C. GRCh37 (hg19) VCF-style: chr2-29420434-G-C.
Other names: c.843C>G, p.Asp281Glu (NM_001353765.2); short protein forms D1349E, D281E.
Identifiers: ClinVar variation 4870455 (VCV004870455.1).